The following is an entry in ClinVar:

NM_002661.5(PLCG2):c.13G>T (p.Val5Phe)

Gene: PLCG2 (phospholipase C gamma 2; plus strand). Cytogenetic location: 16q23.3.
Variant type: single nucleotide variant.
Coding change: c.13G>T on transcript NM_002661.5 (MANE Select); coding-DNA position 13, G replaced by T.
Protein change: p.Val5Phe; replaces valine 5 with phenylalanine.
Molecular consequence: missense variant.
Genome position (GRCh38, 1-based): chr16:81,786,002, G>T. VCF-style: chr16-81786002-G-T. GRCh37 (hg19) VCF-style: chr16-81819607-G-T.
Other names: short protein forms V5F.
Identifiers: ClinVar variation 2178044 (VCV002178044.6), dbSNP rs556174475, ClinGen allele CA8193002.
Genomic context (GRCh38, chr16:81,786,002, plus strand): 5'-GCTTCCTGATTTCTCCCGATTCCTTCCTTCTCCCTGGAGCGGCCGACAATGTCCACCACG[G>T]TCAATGTAGATTCCCTTGCGGAATATGAGAAGAGCCAGATCAAGAGAGCCCTGGAGCTGG-3'
Protein context (NP_002652.2, residues 1-15): MSTT[Val5Phe]NVDSLAEYEK

ClinVar aggregate classification (germline): Uncertain significance. Review status: criteria provided, multiple submitters, no conflicts (2 of 4 stars). 2 submissions from 2 submitters: Uncertain significance (2). Last evaluated 2025-10-14.

Conditions:
Inborn genetic diseases. Identifiers: MedGen C0950123, MeSH D030342.
Familial cold autoinflammatory syndrome 3 (FCAS3). Also called: FAMILIAL ATYPICAL COLD URTICARIA; ANTIBODY DEFICIENCY AND IMMUNE DYSREGULATION, PLCG2-ASSOCIATED. Identifiers: Orphanet 300359, MedGen C3280914, MONDO:0013766, OMIM 614468.

Allele frequency attached by ClinVar (database versions not stated): ExAC 0.00001; gnomAD exomes 0.00001; TOPMed 0.00002; gnomAD 0.00004.
gnomAD v4.1: 14 of 1,613,928 alleles (0.00087%); highest among the groups gnomAD compares: African/African-American, 0.015%; 1 homozygote.

Submissions (2):

Labcorp Genetics (formerly Invitae), Labcorp
Classification: Uncertain significance for Familial cold autoinflammatory syndrome 3. Last evaluated: 2025-10-14. Review status: criteria provided, single submitter. Criteria: Invitae Variant Classification Sherloc (09022015). Collection method: clinical testing. Allele origin: germline.
Comment: This sequence change replaces valine, which is neutral and non-polar, with phenylalanine, which is neutral and non-polar, at codon 5 of the PLCG2 protein (p.Val5Phe). This variant is present in population databases (rs556174475, gnomAD 0.01%). This variant has not been reported in the literature in individuals affected with PLCG2-related conditions. ClinVar contains an entry for this variant (Variation ID: 2178044). An algorithm developed to predict the effect of missense changes on protein structure and function (PolyPhen-2) suggests that this variant is likely to be tolerated. In summary, the available evidence is currently insufficient to determine the role of this variant in disease. Therefore, it has been classified as a Variant of Uncertain Significance.

Ambry Genetics
Classification: Uncertain significance for Inborn genetic diseases. Last evaluated: 2023-04-26. Review status: criteria provided, single submitter. Criteria: Ambry Variant Classification Scheme 2023. Collection method: clinical testing. Allele origin: germline.